The following is an entry in ClinVar:

NM_005630.3(SLCO2A1):c.1259G>T (p.Cys420Phe)

Gene: SLCO2A1 (solute carrier organic anion transporter family member 2A1; minus strand). Cytogenetic location: 3q22.1.
Variant type: single nucleotide variant.
Coding change: c.1259G>T on transcript NM_005630.3 (MANE Select); coding-DNA position 1259, G replaced by T.
Protein change: p.Cys420Phe; replaces cysteine 420 with phenylalanine.
Molecular consequence: missense variant.
Genome position (GRCh38, 1-based): chr3:133,947,292, C>A on the plus strand (G>T on the coding strand, the complement: SLCO2A1 is on the minus strand). VCF-style: chr3-133947292-C-A. GRCh37 (hg19) VCF-style: chr3-133666136-C-A.
Other names: short protein forms C420F.
Identifiers: ClinVar variation 37169 (VCV000037169.8), dbSNP rs387907295, ClinGen allele CA130096.

ClinVar aggregate classification (germline): Pathogenic/Likely pathogenic. Review status: criteria provided, multiple submitters, no conflicts (2 of 4 stars). 3 submissions from 3 submitters: Pathogenic (1); Likely pathogenic (1). 1 of the submissions does not count toward it. Last evaluated 2025-06-29.

Conditions:
Hypertrophic osteoarthropathy, primary, autosomal recessive, 2 (PHOAR2E). Also called: HYPERTROPHIC OSTEOARTHROPATHY, PRIMARY, AUTOSOMAL RECESSIVE, 2/ENTEROPATHY SYNDROME; PHOAR2-enteropathy syndrome; PACHYDERMOPERIOSTOSIS, AUTOSOMAL RECESSIVE; PDP, AUTOSOMAL RECESSIVE. Identifiers: Orphanet 2796, MedGen C3280800, MONDO:0013756, OMIM 614441.

Allele frequency attached by ClinVar (database versions not stated): gnomAD exomes 0.00001 and below 0.00001.

Submissions (3):

Labcorp Genetics (formerly Invitae), Labcorp
Classification: Pathogenic. Last evaluated: 2025-06-29. Review status: criteria provided, single submitter. Criteria: Invitae Variant Classification Sherloc (09022015). Collection method: clinical testing. Allele origin: germline.
Comment: This sequence change replaces cysteine, which is neutral and slightly polar, with phenylalanine, which is neutral and non-polar, at codon 420 of the SLCO2A1 protein (p.Cys420Phe). This variant is present in population databases (rs387907295, gnomAD 0.009%). This missense change has been observed in individual(s) with autosomal recessive primary hypertrophic osteoarthropathy (PMID: 22553128). It has also been observed to segregate with disease in related individuals. ClinVar contains an entry for this variant (Variation ID: 37169). Invitae Evidence Modeling of protein sequence and biophysical properties (such as structural, functional, and spatial information, amino acid conservation, physicochemical variation, residue mobility, and thermodynamic stability) indicates that this missense variant is expected to disrupt SLCO2A1 protein function with a positive predictive value of 95%. Experimental studies have shown that this missense change affects SLCO2A1 function (PMID: 22553128). For these reasons, this variant has been classified as Pathogenic.

AiLife Diagnostics
Classification: Likely pathogenic. Last evaluated: 2021-06-10. Review status: criteria provided, single submitter. Criteria: ACMG Guidelines, 2015. Collection method: clinical testing. Allele origin: germline. Affected: yes. Observed: 1 variant allele.

OMIM
Classification: Pathogenic for PHOAR2-ENTEROPATHY SYNDROME. Last evaluated: 2012-08-01. Review status: no assertion criteria provided. Collection method: literature only. Allele origin: germline. Not counted in ClinVar's aggregate classification.

Literature cited by the submitters: PubMed 22553128 (cited by 3 submitters).